The following is an entry in ClinVar:

NM_001376.5(DYNC1H1):c.10805A>G (p.Asn3602Ser)

Gene: DYNC1H1 (dynein cytoplasmic 1 heavy chain 1; plus strand). Cytogenetic location: 14q32.31.
Variant type: single nucleotide variant.
Coding change: c.10805A>G on transcript NM_001376.5 (MANE Select); coding-DNA position 10805, A replaced by G.
Protein change: p.Asn3602Ser; replaces asparagine 3602 with serine.
Molecular consequence: missense variant.
Genome position (GRCh38, 1-based): chr14:102,036,539, A>G. VCF-style: chr14-102036539-A-G. GRCh37 (hg19) VCF-style: chr14-102502876-A-G.
Other names: short protein forms N3602S.
Identifiers: ClinVar variation 2757972 (VCV002757972.3), dbSNP rs2048577368, ClinGen allele CA391029715.
Genomic context (GRCh38, chr14:102,036,539, plus strand): 5'-TCATCCTCAGGTATCCGCTGATCATTGACCCCTCTGGACAGGCCACAGAATTCATTATGA[A>G]TGAATATAAGGATCGTAAGATCACACGGACCAGCTTCCTGGATGACGCCTTCAGAAAGAA-3'
Protein context (NP_001367.2, residues 3592-3612): PSGQATEFIM[Asn3602Ser]EYKDRKITRT

ClinVar aggregate classification (germline): Uncertain significance (1 of 4 stars; one submission).

Conditions:
Charcot-Marie-Tooth disease axonal type 2O. Also called: CHARCOT-MARIE-TOOTH NEUROPATHY, AXONAL, TYPE 2O; CHARCOT-MARIE-TOOTH DISEASE, AXONAL, AUTOSOMAL DOMINANT, TYPE 2O; Charcot-Marie-Tooth Neuropathy Type 2O; Charcot-Marie-Tooth disease, axonal, type 20. Identifiers: Orphanet 284232, MedGen C3280220, MONDO:0013644, OMIM 614228.

Allele frequency attached by ClinVar (database versions not stated): TOPMed 0.00001.

Submission:

Labcorp Genetics (formerly Invitae), Labcorp
Classification: Uncertain significance for Charcot-Marie-Tooth disease axonal type 2O. Last evaluated: 2023-09-04. Review status: criteria provided, single submitter. Criteria: Invitae Variant Classification Sherloc (09022015). Collection method: clinical testing. Allele origin: germline.
Comment: This sequence change replaces asparagine, which is neutral and polar, with serine, which is neutral and polar, at codon 3602 of the DYNC1H1 protein (p.Asn3602Ser). This variant is not present in population databases (gnomAD no frequency). This variant has not been reported in the literature in individuals affected with DYNC1H1-related conditions. Advanced modeling of protein sequence and biophysical properties (such as structural, functional, and spatial information, amino acid conservation, physicochemical variation, residue mobility, and thermodynamic stability) performed at Invitae indicates that this missense variant is not expected to disrupt DYNC1H1 protein function. In summary, the available evidence is currently insufficient to determine the role of this variant in disease. Therefore, it has been classified as a Variant of Uncertain Significance.